The following is an entry in ClinVar:

NM_144498.4(OSBPL2):c.609G>A (p.Lys203=)

Gene: OSBPL2 (oxysterol binding protein like 2; plus strand). Cytogenetic location: 20q13.33.
Variant type: single nucleotide variant.
Coding change: c.609G>A on transcript NM_144498.4 (MANE Select); coding-DNA position 609, G replaced by A.
Protein change: p.Lys203=; no amino-acid change (lysine 203 retained).
Molecular consequence: synonymous variant.
Genome position (GRCh38, 1-based): chr20:62,279,274, G>A. VCF-style: chr20-62279274-G-A. GRCh37 (hg19) VCF-style: chr20-60854330-G-A.
Other names: c.333G>A, p.Lys111= (NM_001278649.3, NM_001363878.2); c.573G>A, p.Lys191= (NM_014835.5).
Identifiers: ClinVar variation 512698 (VCV000512698.1), dbSNP rs1555851430, ClinGen allele CA511112344.

ClinVar aggregate classification (germline): Likely benign (1 of 4 stars; one submission).

gnomAD v4.1: 17 of 1,614,230 alleles (0.0011%); highest among the groups gnomAD compares: Middle Eastern, 0.033%; no homozygotes.

Submission:

GeneDx
Classification: Likely benign. Last evaluated: 2017-11-10. Review status: criteria provided, single submitter. Criteria: GeneDx Variant Classification (06012015). Collection method: clinical testing. Allele origin: germline. Affected: yes.
Comment: This variant is considered likely benign or benign based on one or more of the following criteria: it is a conservative change, it occurs at a poorly conserved position in the protein, it is predicted to be benign by multiple in silico algorithms, and/or has population frequency not consistent with disease.